The following is an entry in ClinVar:

NM_002474.3(MYH11):c.436A>T (p.Lys146Ter)

Gene: MYH11 (myosin heavy chain 11; minus strand). Cytogenetic location: 16p13.11.
Variant type: single nucleotide variant.
Coding change: c.436A>T on transcript NM_002474.3 (MANE Select); coding-DNA position 436, A replaced by T.
Protein change: p.Lys146Ter; replaces lysine 146 with a stop codon.
Molecular consequence: nonsense.
Genome position (GRCh38, 1-based): chr16:15,823,321, T>A on the plus strand (A>T on the coding strand, the complement: MYH11 is on the minus strand). VCF-style: chr16-15823321-T-A. GRCh37 (hg19) VCF-style: chr16-15917178-T-A.
Other names: c.436A>T, p.Lys146Ter (NM_001040113.2, NM_001040114.2, NM_022844.3); short protein forms K146*.
Identifiers: ClinVar variation 1879334 (VCV001879334.29), dbSNP rs2506953147, ClinGen allele CA394882399.
Genomic context (GRCh38, chr16:15,823,321, plus strand): 5'-GCATGCTCCGGTAGGCCGTGTCTGCGATGGCGTAGATGTGAGGCGGCATCTCGTGCCTCT[T>A]CTTGCCCTTGTACATGTCGACGATCTTCTCCGAGTAGATGGGCAGGTGTTTATAGGGGTT-3'

ClinVar aggregate classification (germline): Pathogenic (1 of 4 stars; one submission).

Submission:

CeGaT Center for Human Genetics Tuebingen
Classification: Pathogenic. Last evaluated: 2023-11-01. Review status: criteria provided, single submitter. Criteria: CeGaT Center For Human Genetics Tuebingen Variant Classification Criteria Version 2. Collection method: clinical testing. Allele origin: germline. Affected: yes. Observed: 2 variant alleles.
Comment: MYH11: PVS1, PM2